The following is an entry in ClinVar:

ClinVar aggregate classification (germline): Pathogenic (1 of 4 stars; one submission).

Submission:

ISCA site 17
Classification: Pathogenic. Last evaluated: 2011-08-12. Review status: criteria provided, single submitter. Criteria: Kaminsky et al. (Genet Med. 2011). Collection method: clinical testing. Allele origin: unknown. Affected: yes. Observed: 1 variant allele.
Comment: Copy number variation identified through the course of routine clinical cytogenomic testing in postnatal populations. Clinical assertions have been curated as described in Kaminsky et al. 2011.

GRCh38/hg38 22q11.21(chr22:18339130-21454720)x3

Genes: LRRC74B (leucine rich repeat containing 74B; plus strand), LRRC74BNL (LRRC74B N-terminal like; minus strand), LZTR1 (leucine zipper like post translational regulator 1; plus strand), MED15 (mediator complex subunit 15; plus strand), MIR1286 (microRNA 1286; minus strand) and 195 more. Cytogenetic location: 22q11.21.
Variant type: copy number gain.
Change: copy number 3 (three copies instead of two) of chr22:18,339,130-21,454,720 (3.12 Mb, GRCh38 coordinates, 1-based), cytogenetic band 22q11.21.
Identifiers: ClinVar variation 160847 (VCV000160847.1).